The following is an entry in ClinVar:

NM_004006.3(DMD):c.4656T>A (p.Tyr1552Ter)

Gene: DMD (dystrophin; minus strand). Cytogenetic location: Xp21.1.
Variant type: single nucleotide variant.
Coding change: c.4656T>A on transcript NM_004006.3 (MANE Select); coding-DNA position 4656, T replaced by A.
Protein change: p.Tyr1552Ter; replaces tyrosine 1552 with a stop codon.
Molecular consequence: nonsense.
Genome position (GRCh38, 1-based): chrX:32,386,328, A>T on the plus strand (T>A on the coding strand, the complement: DMD is on the minus strand). VCF-style: chrX-32386328-A-T. GRCh37 (hg19) VCF-style: chrX-32404445-A-T.
Other names: c.633T>A, p.Tyr211Ter (NM_004011.4); c.624T>A, p.Tyr208Ter (NM_004012.4); c.4632T>A, p.Tyr1544Ter (NM_000109.4); c.4644T>A, p.Tyr1548Ter (NM_004009.3); c.4287T>A, p.Tyr1429Ter (NM_004010.3); short protein forms Y1429*, Y1544*, Y1548*, Y1552*, Y208*, Y211*.
Identifiers: ClinVar variation 983943 (VCV000983943.4), dbSNP rs2097958107, ClinGen allele CA412662503.

ClinVar aggregate classification (germline): Likely pathogenic (1 of 4 stars; one submission).

Conditions:
Progressive muscular dystrophy. Identifiers: Orphanet 206644, MedGen C4551827, MONDO:0016106.

Submission:

Myriad Genetics, Inc.
Classification: Likely pathogenic for Progressive muscular dystrophy. Last evaluated: 2019-05-06. Review status: criteria provided, single submitter. Criteria: Myriad Autosomal Dominant, Autosomal Recessive and X-Linked Classification Criteria (2023). Collection method: clinical testing. Allele origin: unknown.
Comment: NM_004006.2(DMD):c.4656T>A(Y1552*) is expected to be pathogenic in the context of dystrophinopathy (including Duchenne/Becker muscular dystrophy). This variant is predicted to lead to an abnormal or absent protein product due to the creation of a premature termination codon in DMD, a gene where loss-of-function variants are known to be pathogenic. Please note: this variant was assessed in the context of healthy population screening.